The following continues an entry in ClinVar:

NM_000059.4(BRCA2):c.9945del (p.Glu3316fs)

Gene: BRCA2. ClinVar aggregate classification (germline): Uncertain significance. Uncertain significance (1).

Submissions 9 to 13 of 13:

Baylor Genetics
Classification: Uncertain significance for Familial cancer of breast. Last evaluated: 2024-03-22. Review status: criteria provided, single submitter. Criteria: ACMG Guidelines, 2015. Collection method: clinical testing. Allele origin: unknown. Not counted in ClinVar's aggregate classification.

Quest Diagnostics Nichols Institute San Juan Capistrano
Classification: Uncertain significance. Last evaluated: 2023-08-08. Review status: criteria provided, single submitter. Criteria: Quest Diagnostics criteria. Collection method: clinical testing. Allele origin: unknown. Not counted in ClinVar's aggregate classification.
Comment: This variant alters the translational reading frame of the BRCA2 mRNA and is predicted to cause the premature termination of BRCA2 protein synthesis. However, this variant occurs at the end of the BRCA2 transcript and the functional and clinical significance of the residues that would be lost are unknown (PMID: 18317453 (2008), 10570174 (1999) and ENIGMA). In the published literature, this variant has been reported in an individual with breast cancer (PMID: 29337092 (2018)) and in an unaffected individual (PMID: 16912212 (2006)). Published functional studies showed that this variant does not significantly affect BRCA2 protein function (PMID: 29988080 (2019)). The frequency of this variant in the general population, 0.0002 (5/24898 chromosomes (Genome Aggregation Database)), is uninformative in the assessment of its pathogenicity. Based on the available information, we are unable to determine the clinical significance of this variant.

GeneDx
Classification: Uncertain significance. Last evaluated: 2020-11-06. Review status: criteria provided, single submitter. Criteria: GeneDx Variant Classification Process June 2021. Collection method: clinical testing. Allele origin: germline. Affected: yes. Not counted in ClinVar's aggregate classification.
Comment: Frameshift variant predicted to result in protein truncation as the last 103 amino acids are replaced with 1different amino acid; Not observed at a significant frequency in large population cohorts (Lek 2016); Also known as c.10173delA; This variant is associated with the following publications: (PMID: 25136594, 16912212)

Mendelics
Classification: Uncertain significance for Breast-ovarian cancer, familial, susceptibility to, 2. Last evaluated: 2019-05-28. Review status: criteria provided, single submitter. Criteria: Mendelics Assertion Criteria 2017. Collection method: clinical testing. Allele origin: unknown. Not counted in ClinVar's aggregate classification.

Sharing Clinical Reports Project (SCRP)
Classification: Uncertain significance for Breast-ovarian cancer, familial 2. Last evaluated: 2012-05-01. Review status: no assertion criteria provided. Collection method: clinical testing. Allele origin: germline. Not counted in ClinVar's aggregate classification.

Literature cited by the submitters: PubMed 16912212 (cited by 4 submitters); PubMed 25136594 (cited by Women's Health and Genetics/Laboratory Corporation of America, LabCorp and Quest Diagnostics Nichols Institute San Juan Capistrano); PubMed 28301460 (cited by Women's Health and Genetics/Laboratory Corporation of America, LabCorp); PubMed 29988080 (cited by 6 submitters); PubMed 33479248 (cited by 4 submitters); PubMed 29337092 (cited by 4 submitters); PubMed 36672847 (cited by Women's Health and Genetics/Laboratory Corporation of America, LabCorp); PubMed 35264596 (cited by Labcorp Genetics (formerly Invitae), Labcorp and Color Diagnostics, LLC DBA Color Health); PubMed 36881271 (cited by Labcorp Genetics (formerly Invitae), Labcorp and Color Diagnostics, LLC DBA Color Health); PubMed 18607349 (cited by Department of Clinical Genetics, Copenhagen University Hospital, Rigshospitalet and Color Diagnostics, LLC DBA Color Health); PubMed 10570174 (cited by Quest Diagnostics Nichols Institute San Juan Capistrano); PubMed 18317453 (cited by Quest Diagnostics Nichols Institute San Juan Capistrano).